The following is an entry in ClinVar:

NM_172107.4(KCNQ2):c.1604dup (p.Leu536fs)

Gene: KCNQ2 (potassium voltage-gated channel subfamily Q member 2; minus strand). Cytogenetic location: 20q13.33.
Variant type: Duplication.
Coding change: c.1604dup on transcript NM_172107.4 (MANE Select); coding-DNA position 1604, one base duplicated (G; older notation c.1604dupG).
Protein change: p.Leu536fs; shifts the reading frame from leucine 536.
Molecular consequence: frameshift variant.
Genome position (GRCh38, 1-based): chr20:63,414,115, C duplicated on the plus strand (G on the coding strand, the reverse complement: KCNQ2 is on the minus strand); the first of 3 consecutive C bases (chr20:63,414,115-63,414,117); duplicating any one gives the same sequence. VCF-style (leftmost placement, unchanged base first): chr20-63414114-G-GC. GRCh37 (hg19) VCF-style: chr20-62045467-G-GC.
Other names: c.1520dup, p.Leu508fs (NM_004518.6); c.1550dup, p.Leu518fs (NM_172106.3); c.1511dup, p.Leu505fs (NM_172108.5); short protein forms L508fs, L518fs, L536fs, L505fs.
Identifiers: ClinVar variation 280394 (VCV000280394.2), dbSNP rs886041608, ClinGen allele CA10603543.

ClinVar aggregate classification (germline): Pathogenic (1 of 4 stars; one submission).

Submission:

GeneDx
Classification: Pathogenic. Last evaluated: 2016-03-15. Review status: criteria provided, single submitter. Criteria: GeneDx Variant Classification (06012015). Collection method: clinical testing. Allele origin: germline. Affected: yes.
Comment: The c.1604dupG pathogenic variant in the KCNQ2 gene causes a frameshift starting with codonLeucine 536, changes this amino acid to a Proline residue and creates a premature Stop codon atposition 48 of the new reading frame, denoted p.Leu536ProfsX48. This pathogenic variant ispredicted to cause loss of normal protein function either through protein truncation or nonsensemediatedmRNA decay.